The following is an entry in ClinVar:

NM_178172.6(GPIHBP1):c.359C>A (p.Thr120Lys)

Gene: GPIHBP1 (glycosylphosphatidylinositol anchored high density lipoprotein binding protein 1; plus strand). Cytogenetic location: 8q24.3.
Variant type: single nucleotide variant.
Coding change: c.359C>A on transcript NM_178172.6 (MANE Select); coding-DNA position 359, C replaced by A.
Protein change: p.Thr120Lys; replaces threonine 120 with lysine.
Molecular consequence: missense variant.
Genome position (GRCh38, 1-based): chr8:143,215,322, C>A. VCF-style: chr8-143215322-C-A. GRCh37 (hg19) VCF-style: chr8-144297197-C-A.
Other names: c.359C>A, p.Thr120Lys (NM_001301772.2); short protein forms T120K.
Identifiers: ClinVar variation 3229462 (VCV003229462.1), dbSNP rs371650837, ClinGen allele CA372402324.
Genomic context (GRCh38, chr8:143,215,322, plus strand): 5'-CAGGCCTCCTGACCACCCACTCCACGTGGTGCACAGACAGCTGCCAGCCCATCACCAAGA[C>A]GGTGGAGGGGACCCAGGTGACCATGACCTGCTGCCAGTCCAGCCTGTGCAATGTCCCACC-3'
Protein context (NP_835466.2, residues 110-130): CTDSCQPITK[Thr120Lys]VEGTQVTMTC

ClinVar aggregate classification (germline): Uncertain significance (1 of 4 stars; one submission).

Conditions:
Cardiovascular phenotype. Identifiers: MedGen CN230736.

Submission:

Ambry Genetics
Classification: Uncertain significance for Cardiovascular phenotype. Last evaluated: 2023-10-26. Review status: criteria provided, single submitter. Criteria: Ambry Variant Classification Scheme 2023. Collection method: clinical testing. Allele origin: germline.
Comment: The p.T120K variant (also known as c.359C>A), located in coding exon 4 of the GPIHBP1 gene, results from a C to A substitution at nucleotide position 359. The threonine at codon 120 is replaced by lysine, an amino acid with similar properties. This amino acid position is conserved. In addition, this alteration is predicted to be tolerated by in silico analysis. Since supporting evidence is limited at this time, the clinical significance of this alteration remains unclear.